The following is an entry in ClinVar:

NM_001127222.2(CACNA1A):c.3063C>A (p.Asp1021Glu)

Gene: CACNA1A (calcium voltage-gated channel subunit alpha1 A; minus strand). Cytogenetic location: 19p13.13.
Variant type: single nucleotide variant.
Coding change: c.3063C>A on transcript NM_001127222.2 (MANE Select); coding-DNA position 3063, C replaced by A.
Protein change: p.Asp1021Glu; replaces aspartic acid 1021 with glutamic acid.
Molecular consequence: missense variant.
Genome position (GRCh38, 1-based): chr19:13,298,570, G>T on the plus strand (C>A on the coding strand, the complement: CACNA1A is on the minus strand). VCF-style: chr19-13298570-G-T. GRCh37 (hg19) VCF-style: chr19-13409384-G-T.
Other names: c.3075C>A, p.Asp1025Glu (NM_000068.4, NM_023035.3); c.3066C>A, p.Asp1022Glu (NM_001127221.2, NM_001174080.2); short protein forms D1022E, D1021E, D1025E.
Identifiers: ClinVar variation 476249 (VCV000476249.11), dbSNP rs1038705410, ClinGen allele CA305506122.

ClinVar aggregate classification (germline): Conflicting classifications of pathogenicity. Review status: criteria provided, conflicting classifications (1 of 4 stars). 3 submissions from 3 submitters: Uncertain significance (2); Benign (1). Last evaluated 2025-11-10.

Conditions:
Inborn genetic diseases. Identifiers: MedGen C0950123, MeSH D030342.
Developmental and epileptic encephalopathy, 42 (DEE42A). Also called: DEVELOPMENTAL AND EPILEPTIC ENCEPHALOPATHY 42A; EPILEPTIC ENCEPHALOPATHY, EARLY INFANTILE, 42A; Epileptic encephalopathy, early infantile, 42. Identifiers: MedGen C4310716, MONDO:0014917, OMIM 617106.
Episodic ataxia type 2 (EA2). Also called: ACETAZOLAMIDE-RESPONSIVE HEREDITARY PAROXYSMAL CEREBELLAR ATAXIA; ATAXIA, EPISODIC, WITH NYSTAGMUS; ATAXIA, FAMILIAL PAROXYSMAL; CEREBELLAR ATAXIA, PAROXYSMAL, ACETAZOLAMIDE-RESPONSIVE; CEREBELLOPATHY, HEREDITARY PAROXYSMAL; EPISODIC ATAXIA, NYSTAGMUS-ASSOCIATED. Identifiers: Orphanet 97, MedGen C1720416, MONDO:0007163, OMIM 108500.

Allele frequency attached by ClinVar (database versions not stated): gnomAD exomes below 0.00001 and 0.00001; gnomAD 0.00007; TOPMed 0.00009.
gnomAD v4.1: 16 of 1,543,372 alleles (0.001%); highest among the groups gnomAD compares: African/African-American, 0.022%; no homozygotes.

Submissions (3):

Labcorp Genetics (formerly Invitae), Labcorp
Classification: Benign for Developmental and epileptic encephalopathy, 42; Episodic ataxia type 2. Last evaluated: 2025-11-10. Review status: criteria provided, single submitter. Criteria: Invitae Variant Classification Sherloc (09022015). Collection method: clinical testing. Allele origin: germline.

Ambry Genetics
Classification: Uncertain significance for Inborn genetic diseases. Last evaluated: 2024-08-20. Review status: criteria provided, single submitter. Criteria: Ambry Variant Classification Scheme 2023. Collection method: clinical testing. Allele origin: germline.

GeneDx
Classification: Uncertain significance. Last evaluated: 2023-09-06. Review status: criteria provided, single submitter. Criteria: GeneDx Variant Classification Process June 2021. Collection method: clinical testing. Allele origin: germline. Affected: yes.
Comment: In silico analysis supports that this missense variant does not alter protein structure/function; Has not been previously published as pathogenic or benign to our knowledge; This variant is associated with the following publications: (PMID: 25173933)